The following is an entry in ClinVar:

NM_017654.4(SAMD9):c.2992A>G (p.Lys998Glu)

Gene: SAMD9 (sterile alpha motif domain containing 9; minus strand). Cytogenetic location: 7q21.2.
Variant type: single nucleotide variant.
Coding change: c.2992A>G on transcript NM_017654.4 (MANE Select); coding-DNA position 2992, A replaced by G.
Protein change: p.Lys998Glu; replaces lysine 998 with glutamic acid.
Molecular consequence: missense variant.
Genome position (GRCh38, 1-based): chr7:93,103,106, T>C on the plus strand (A>G on the coding strand, the complement: SAMD9 is on the minus strand). VCF-style: chr7-93103106-T-C. GRCh37 (hg19) VCF-style: chr7-92732419-T-C.
Other names: c.2992A>G, p.Lys998Glu (NM_001193307.2); short protein forms K998E.
Identifiers: ClinVar variation 3437108 (VCV003437108.1).
Genomic context (GRCh38, chr7:93,103,106, plus strand): 5'-AGAACAAATTCTCAGTTAGCATATCCAACATAATTTGACTTTTATTCAGGTGATAGCTTT[T>C]CTTCAATTCTTCCAGTGAGAACTCTGCAATCAAAGAGTGAATGATGCGTACTCCACAGTA-3'
Protein context (NP_060124.2, residues 988-1008): IAEFSLEELK[Lys998Glu]SYHLNKSQIM

ClinVar aggregate classification (germline): Uncertain significance (1 of 4 stars; one submission).

Conditions:
Inborn genetic diseases. Identifiers: MedGen C0950123, MeSH D030342.

gnomAD v4.1: 23 of 1,613,818 alleles (0.0014%); highest among the groups gnomAD compares: Non-Finnish European, 0.0019%; no homozygotes.

Submission:

Ambry Genetics
Classification: Uncertain significance for Inborn genetic diseases. Last evaluated: 2024-12-09. Review status: criteria provided, single submitter. Criteria: Ambry Variant Classification Scheme 2023. Collection method: clinical testing. Allele origin: germline.
Comment: The p.K998E variant (also known as c.2992A>G), located in coding exon 1 of the SAMD9 gene, results from an A to G substitution at nucleotide position 2992. The lysine at codon 998 is replaced by glutamic acid, an amino acid with similar properties. This amino acid position is conserved. In addition, this alteration is predicted to be tolerated by in silico analysis. Based on the available evidence, the clinical significance of this variant remains unclear.